The following is an entry in ClinVar:

NM_138395.4(MARS2):c.855C>T (p.Asn285=)

Gene: MARS2 (methionyl-tRNA synthetase 2, mitochondrial; plus strand). Cytogenetic location: 2q33.1.
Variant type: single nucleotide variant.
Coding change: c.855C>T on transcript NM_138395.4 (MANE Select); coding-DNA position 855, C replaced by T.
Protein change: p.Asn285=; no amino-acid change (asparagine 285 retained).
Molecular consequence: synonymous variant.
Genome position (GRCh38, 1-based): chr2:197,706,260, C>T. VCF-style: chr2-197706260-C-T. GRCh37 (hg19) VCF-style: chr2-198570984-C-T.
Identifiers: ClinVar variation 2835001 (VCV002835001.3), dbSNP rs761363458, ClinGen allele CA2044650.

ClinVar aggregate classification (germline): Uncertain significance (1 of 4 stars; one submission).

Allele frequency attached by ClinVar (database versions not stated): ExAC 0.00001; gnomAD 0.00001.

Submission:

Labcorp Genetics (formerly Invitae), Labcorp
Classification: Uncertain significance. Last evaluated: 2023-02-06. Review status: criteria provided, single submitter. Criteria: Invitae Variant Classification Sherloc (09022015). Collection method: clinical testing. Allele origin: germline.
Comment: This sequence change affects codon 285 of the MARS2 mRNA. It is a 'silent' change, meaning that it does not change the encoded amino acid sequence of the MARS2 protein. In summary, the available evidence is currently insufficient to determine the role of this variant in disease. Therefore, it has been classified as a Variant of Uncertain Significance. This variant has not been reported in the literature in individuals affected with MARS2-related conditions. This variant is present in population databases (rs761363458, gnomAD 0.0009%).